The following continues an entry in ClinVar:

NM_000540.3(RYR1):c.14582G>A (p.Arg4861His)

Gene: RYR1. ClinVar aggregate classification (germline): Conflicting classifications of pathogenicity; drug response. Pathogenic (1); Uncertain significance (1).

Submissions 11 to 24 of 24:

Labcorp Genetics (formerly Invitae), Labcorp
Classification: Pathogenic for RYR1-related disorder. Last evaluated: 2026-01-27. Review status: criteria provided, single submitter. Criteria: Invitae Variant Classification Sherloc (09022015). Collection method: clinical testing. Allele origin: germline. Not counted in ClinVar's aggregate classification.
Comment: This sequence change replaces arginine, which is basic and polar, with histidine, which is basic and polar, at codon 4861 of the RYR1 protein (p.Arg4861His). This variant is not present in population databases (gnomAD no frequency). This missense change has been observed in individuals with autosomal dominant central core disease (PMID: 11709545, 12565913, 14670767, 23394784, 25521991). It has also been observed to segregate with disease in related individuals. ClinVar contains an entry for this variant (Variation ID: 12982). Invitae Evidence Modeling of protein sequence and biophysical properties (such as structural, functional, and spatial information, amino acid conservation, physicochemical variation, residue mobility, and thermodynamic stability) indicates that this missense variant is expected to disrupt RYR1 protein function with a positive predictive value of 80%. Experimental studies have shown that this missense change affects RYR1 function (PMID: 11741831). For these reasons, this variant has been classified as Pathogenic.

North West Genomic Laboratory Hub, Manchester University NHS Foundation Trust
Classification: Pathogenic for Rare neuromuscular disorders. Last evaluated: 2025-11-20. Review status: criteria provided, single submitter. Criteria: ACGS Best Practice Guidelines for Variant Classification in Rare Disease 2024. Collection method: clinical testing. Allele origin: germline. Affected: yes. Not counted in ClinVar's aggregate classification.
Comment: PS4_Mod PM6_Supp PM5_Mod PM1_Mod PP3_Supp PM2_Mod

3billion
Classification: Likely pathogenic for Central core myopathy. Last evaluated: 2024-09-24. Review status: criteria provided, single submitter. Criteria: ACMG Guidelines, 2015. Collection method: clinical testing. Allele origin: germline. Affected: yes. Not counted in ClinVar's aggregate classification.
Comment: The variant is observed at an extremely low frequency in the gnomAD v4.0.0 dataset (total allele frequency: <0.001%). Predicted Consequence/Location: Missense variant In silico tool predictions suggest damaging effect of the variant on gene or gene product [REVEL: 0.91 (>=0.6, sensitivity 0.68 and specificity 0.92); 3Cnet: 0.99 (>=0.6, sensitivity 0.72 and precision 0.9)]. The same nucleotide change resulting in the same amino acid change has been previously reported as pathogenic/likely pathogenic with strong evidence (ClinVar ID: VCV000012982 /PMID: 11709545 /3billion dataset). Different missense changes at the same codon (p.Arg4861Cys, p.Arg4861Gly, p.Arg4861Pro, p.Arg4861Ser) have been reported as pathogenic/likely pathogenic with strong evidence (ClinVar ID: VCV000065986, VCV000943431, VCV001066439, VCV002027376 /PMID: 12565913 /3billion dataset). Therefore, this variant is classified as Likely pathogenic according to the recommendation of ACMG/AMP guideline.

Blueprint Genetics
Classification: Pathogenic for RYR1-related disorders. Last evaluated: 2024-08-08. Review status: criteria provided, single submitter. Criteria: ACMG Guidelines, 2015. Collection method: clinical testing. Allele origin: germline. Affected: yes. Observed: 4 variant alleles. Not counted in ClinVar's aggregate classification.

Genomic Medicine Center of Excellence, King Faisal Specialist Hospital and Research Centre
Classification: Pathogenic for Central core myopathy. Last evaluated: 2024-04-04. Review status: criteria provided, single submitter. Criteria: ACMG Guidelines, 2015. Collection method: clinical testing. Allele origin: germline. Not counted in ClinVar's aggregate classification.

GeneDx
Classification: Pathogenic. Last evaluated: 2024-01-03. Review status: criteria provided, single submitter. Criteria: GeneDx Variant Classification Process June 2021. Collection method: clinical testing. Allele origin: germline. Affected: yes. Not counted in ClinVar's aggregate classification.
Comment: Reported multiple times in association with autosomal dominant central core disease (PMID: 11709545, 12565913, 17226826, RYR1 LOVD); Published functional studies demonstrate that R4861H significantly alters intracellular calcium homeostasis (PMID: 11741831); In silico analysis supports that this missense variant has a deleterious effect on protein structure/function; Not observed at significant frequency in large population cohorts (gnomAD); This variant is associated with the following publications: (PMID: 27708273, 33458582, 11709545, 17483490, 17538032, 16621918, 17226826, 25521991, 11741831, 29629541, 27363342, 32403337, 33333461, 33726816, 31785789, 33087929, 35693006, 29576327, 35428369, 35081925, 12565913, 23394784, 20681998)

Laboratory for Molecular Medicine, Mass General Brigham Personalized Medicine
Classification: Pathogenic for Malignant hyperthermia of anesthesia. Last evaluated: 2020-06-11. Review status: criteria provided, single submitter. Criteria: ACMG Guidelines, 2015. Collection method: clinical testing. Allele origin: germline. Not counted in ClinVar's aggregate classification.
Comment: The p.Arg4861His variant in RYR1 has been reported in many heterozygous individuals with central core disease, segregated in many affected heterozygous relatives, and has been reported as a de novo variant in several cases (Brandom 2013 PMID 23558838, Broman 2007 PMID 17081152, Broman 2015 PMID 25989378, Davis 2003 PMID 12565913, Jeong 2018 PMID 29629541, Kossugue 2007 PMID 17226826, Lee 2014 PMID 25521991, Maggi 2013 PMID 23394784, Marks 2018 PMID 29576327, Monnier 2001 PMID 11709545, Park 2017 PMID 27363342, Reddy 2017 PMID 27708273, Sato 2008 PMID 17538032, Shepherd 2004 PMID 14985404, Tilgen 2001 PMID 11741831, Treves 2005 PMID 16084090, Wu 2006 PMID 16621918, Zhou 2007 PMID 17483490). It has also been reported in at least one individual with malignant hyperthermia susceptibility (Brandom 2013 PMID 23558838) and in ClinVar by the PharmGKB expert panel with evidence level 1A for susceptibility to malignant hyperthermia, the annotation for a variant-drug combination in a CPIC or medical society-endorsed PGx guideline (Variation ID 12982). It is absent from large population studies. Computational prediction tools and conservation analysis suggest that this variant may impact the protein. Furthermore, in vitro functional studies provide some evidence that this variant impacts protein function (Tilgen 2001 PMID 11741831). In summary, this variant meets criteria to be classified as pathogenic for autosomal dominant central core disease but has also been reported in MH susceptibility. ACMG/AMP criteria applied: PS4, PM6_Strong, PP1_Strong, PM2, PP3, PS3_Supporting.

Revvity Omics, Revvity
Classification: Pathogenic. Last evaluated: 2019-10-17. Review status: criteria provided, single submitter. Criteria: ACMG Guidelines, 2015. Collection method: clinical testing. Allele origin: germline. Not counted in ClinVar's aggregate classification.

HudsonAlpha Institute for Biotechnology
Classification: Pathogenic for Malignant hyperthermia, susceptibility to, 1. Last evaluated: 2018-09-11. Review status: criteria provided, single submitter. Criteria: ACMG Guidelines, 2015. Collection method: research. Allele origin: unknown. Observed: 1 variant allele. Study: AGHI_GT. Not counted in ClinVar's aggregate classification.

Laboratory of Molecular Genetics (Pr. Bezieau's lab), CHU de Nantes
Classification: Pathogenic. Last evaluated: 2018-01-22. Review status: criteria provided, single submitter. Criteria: ACMG Guidelines, 2015. Collection method: clinical testing. Allele origin: germline. Affected: yes. Not counted in ClinVar's aggregate classification.

PreventionGenetics, part of Exact Sciences
Classification: Pathogenic. Last evaluated: 2017-11-15. Review status: criteria provided, single submitter. Criteria: ACMG Guidelines, 2015. Collection method: clinical testing. Allele origin: germline. Not counted in ClinVar's aggregate classification.

Genetic Services Laboratory, University of Chicago
Classification: Pathogenic. Last evaluated: 2017-03-10. Review status: criteria provided, single submitter. Criteria: ACMG Guidelines, 2015. Collection method: clinical testing. Allele origin: germline. Affected: yes. Not counted in ClinVar's aggregate classification.

OMIM
Classification: Pathogenic for CONGENITAL MYOPATHY 1A, AUTOSOMAL DOMINANT. Last evaluated: 2008-01-08. Review status: no assertion criteria provided. Collection method: literature only. Allele origin: germline. Not counted in ClinVar's aggregate classification.

RYR1 database
No classification provided. Review status: no classification provided. Collection method: not provided. Allele origin: unknown. Not counted in ClinVar's aggregate classification.

Literature cited by the submitters: PubMed 14985404 (cited by ClinPGx and Laboratory for Molecular Medicine, Mass General Brigham Personalized Medicine); PubMed 17081152 (cited by ClinPGx and Laboratory for Molecular Medicine, Mass General Brigham Personalized Medicine); PubMed 17226826 (cited by ClinPGx and Laboratory for Molecular Medicine, Mass General Brigham Personalized Medicine); PubMed 23558838 (cited by ClinPGx and Laboratory for Molecular Medicine, Mass General Brigham Personalized Medicine); PubMed 25989378 (cited by ClinPGx and Laboratory for Molecular Medicine, Mass General Brigham Personalized Medicine); PubMed 11709545 (cited by 4 submitters); PubMed 12565913 (cited by 3 submitters); PubMed 14670767 (cited by Labcorp Genetics (formerly Invitae), Labcorp and OMIM); PubMed 23394784 (cited by Labcorp Genetics (formerly Invitae), Labcorp and Laboratory for Molecular Medicine, Mass General Brigham Personalized Medicine); PubMed 25521991 (cited by Labcorp Genetics (formerly Invitae), Labcorp and Laboratory for Molecular Medicine, Mass General Brigham Personalized Medicine); PubMed 11741831 (cited by 3 submitters); PubMed 27363342 (cited by Laboratory for Molecular Medicine, Mass General Brigham Personalized Medicine); PubMed 17538032 (cited by Laboratory for Molecular Medicine, Mass General Brigham Personalized Medicine and OMIM); PubMed 27708273 (cited by Laboratory for Molecular Medicine, Mass General Brigham Personalized Medicine); PubMed 17483490 (cited by Laboratory for Molecular Medicine, Mass General Brigham Personalized Medicine); PubMed 29629541 (cited by Laboratory for Molecular Medicine, Mass General Brigham Personalized Medicine); PubMed 29576327 (cited by Laboratory for Molecular Medicine, Mass General Brigham Personalized Medicine); PubMed 16621918 (cited by Laboratory for Molecular Medicine, Mass General Brigham Personalized Medicine); PubMed 16084090 (cited by Laboratory for Molecular Medicine, Mass General Brigham Personalized Medicine).